The following is an entry in ClinVar:

ClinVar aggregate classification (germline): Uncertain significance. Review status: criteria provided, multiple submitters, no conflicts (2 of 4 stars). 2 submissions from 2 submitters: Uncertain significance (2). Last evaluated 2023-09-05.

Conditions:
DES-related disorder. Also called: DES-related condition.
Desmin-related myofibrillar myopathy (MFM1). Also called: MYOFIBRILLAR MYOPATHY WITH ARRHYTHMOGENIC RIGHT VENTRICULAR CARDIOMYOPATHY; DESMIN-RELATED MYOPATHY WITH ARRHYTHMOGENIC RIGHT VENTRICULAR CARDIOMYOPATHY; Desminopathy; Desmin related myopathy (former name); Desmin storage myopathy (former name); Myofibrillar myopathy 1. Identifiers: Orphanet 363543, Orphanet 98909, MedGen C1832370, MONDO:0011076, OMIM 601419.

Submissions (2):

PreventionGenetics, part of Exact Sciences
Classification: Uncertain significance for DES-related condition. Last evaluated: 2023-09-05. Review status: criteria provided, single submitter. Criteria: ACMG Guidelines, 2015. Collection method: clinical testing. Allele origin: germline.
Comment: The DES c.1147C>A variant is predicted to result in the amino acid substitution p.Arg383Ser. To our knowledge, this variant has not been reported in the literature or in a large population database, indicating this variant is rare. At this time, the clinical significance of this variant is uncertain due to the absence of conclusive functional and genetic evidence.

Labcorp Genetics (formerly Invitae), Labcorp
Classification: Uncertain significance for Desmin-related myofibrillar myopathy. Last evaluated: 2023-05-15. Review status: criteria provided, single submitter. Criteria: Invitae Variant Classification Sherloc (09022015). Collection method: clinical testing. Allele origin: germline.
Comment: This sequence change replaces arginine, which is basic and polar, with serine, which is neutral and polar, at codon 383 of the DES protein (p.Arg383Ser). This variant is not present in population databases (gnomAD no frequency). This variant has not been reported in the literature in individuals affected with DES-related conditions. ClinVar contains an entry for this variant (Variation ID: 1479493). Advanced modeling of protein sequence and biophysical properties (such as structural, functional, and spatial information, amino acid conservation, physicochemical variation, residue mobility, and thermodynamic stability) has been performed at Invitae for this missense variant, however the output from this modeling did not meet the statistical confidence thresholds required to predict the impact of this variant on DES protein function. In summary, the available evidence is currently insufficient to determine the role of this variant in disease. Therefore, it has been classified as a Variant of Uncertain Significance.

NM_001927.4(DES):c.1147C>A (p.Arg383Ser)

Gene: DES (desmin; plus strand). Cytogenetic location: 2q35.
Variant type: single nucleotide variant.
Coding change: c.1147C>A on transcript NM_001927.4 (MANE Select); coding-DNA position 1147, C replaced by A.
Protein change: p.Arg383Ser; replaces arginine 383 with serine.
Molecular consequence: missense variant. On other transcripts: intron variant (1).
Genome position (GRCh38, 1-based): chr2:219,421,463, C>A. VCF-style: chr2-219421463-C-A. GRCh37 (hg19) VCF-style: chr2-220286185-C-A.
Other names: c.1144C>A, p.Arg382Ser (NM_001382708.1); c.1078C>A, p.Arg360Ser (NM_001382710.1); c.1126C>A, p.Arg376Ser (NM_001382711.1); c.1147C>A, p.Arg383Ser (NM_001382712.1); c.877C>A, p.Arg293Ser (NM_001382713.1); c.736-21C>A (NM_001382709.1); c.1147C>A (NM_001927.3); short protein forms R293S, R382S, R376S, R383S, R360S.
Identifiers: ClinVar variation 1479493 (VCV001479493.9), dbSNP rs748945548, ClinGen allele CA350694572.
Genomic context (GRCh38, chr2:219,421,463, plus strand): 5'-TACCAGGACAACATTGCGCGCCTGGAGGAGGAAATCCGGCACCTCAAGGATGAGATGGCC[C>A]GCCATCTGCGCGAGTACCAGGACCTGCTCAACGTGAAGATGGCCCTGGATGTGGAGATTG-3'
Protein context (NP_001918.3, residues 373-393): EIRHLKDEMA[Arg383Ser]HLREYQDLLN